The following is an entry in ClinVar:

ClinVar aggregate classification (germline): Conflicting classifications of pathogenicity. Review status: criteria provided, conflicting classifications (1 of 4 stars). 2 submissions from 2 submitters: Uncertain significance (1); Likely benign (1). Last evaluated 2024-03-14.

Conditions:
Hereditary spastic paraplegia 30. Identifiers: Orphanet 101010, MedGen C5235139, MONDO:0012476.
Neuropathy, hereditary sensory, type 2C. Also called: KIF1A-Related HSAN2 (HSAN2C); Hereditary sensory and autonomic neuropathy type IIC. Identifiers: Orphanet 970, MedGen C3280168, MONDO:0013634, OMIM 614213.
Intellectual disability, autosomal dominant 9 (NESCAVS). Also called: NESCAV SYNDROME; KIF1A-Related Neurodevelopmental Disorder. Identifiers: Orphanet 662367, MedGen C5393830, MONDO:0013656, OMIM 614255.

Submissions (2):

Blueprint Genetics
Classification: Likely benign. Last evaluated: 2024-03-14. Review status: criteria provided, single submitter. Criteria: ACMG Guidelines, 2015. Collection method: clinical testing. Allele origin: germline.

Labcorp Genetics (formerly Invitae), Labcorp
Classification: Uncertain significance for Hereditary spastic paraplegia 30; Neuropathy, hereditary sensory, type 2C; Intellectual disability, autosomal dominant 9. Last evaluated: 2022-11-01. Review status: criteria provided, single submitter. Criteria: Invitae Variant Classification Sherloc (09022015). Collection method: clinical testing. Allele origin: germline.
Comment: This sequence change replaces alanine, which is neutral and non-polar, with serine, which is neutral and polar, at codon 1656 of the KIF1A protein (p.Ala1656Ser). In summary, the available evidence is currently insufficient to determine the role of this variant in disease. Therefore, it has been classified as a Variant of Uncertain Significance. Advanced modeling of protein sequence and biophysical properties (such as structural, functional, and spatial information, amino acid conservation, physicochemical variation, residue mobility, and thermodynamic stability) performed at Invitae indicates that this missense variant is not expected to disrupt KIF1A protein function. This variant has not been reported in the literature in individuals affected with KIF1A-related conditions. This variant is not present in population databases (gnomAD no frequency).

NM_001244008.2(KIF1A):c.5269G>T (p.Ala1757Ser)

Gene: KIF1A (kinesin family member 1A; minus strand). Cytogenetic location: 2q37.3.
Variant type: single nucleotide variant.
Coding change: c.5269G>T on transcript NM_001244008.2 (MANE Select); coding-DNA position 5269, G replaced by T.
Protein change: p.Ala1757Ser; replaces alanine 1757 with serine.
Molecular consequence: missense variant.
Genome position (GRCh38, 1-based): chr2:240,718,114, C>A on the plus strand (G>T on the coding strand, the complement: KIF1A is on the minus strand). VCF-style: chr2-240718114-C-A. GRCh37 (hg19) VCF-style: chr2-241657531-C-A.
Other names: c.4993G>T, p.Ala1665Ser (NM_001320705.2, NM_001379649.1); c.5020G>T, p.Ala1674Ser (NM_001330289.2); c.5068G>T, p.Ala1690Ser (NM_001330290.2, NM_001379648.1); c.5344G>T, p.Ala1782Ser (NM_001379631.1); c.5245G>T, p.Ala1749Ser (NM_001379632.1); c.5242G>T, p.Ala1748Ser (NM_001379633.1, NM_001379645.1); c.5095G>T, p.Ala1699Ser (NM_001379634.1); c.5092G>T, p.Ala1698Ser (NM_001379635.1, NM_001379646.1); and 8 more; short protein forms A1655S, A1664S, A1665S, A1681S, A1698S, A1749S, A1757S, A1644S.
Identifiers: ClinVar variation 2160067 (VCV002160067.5), dbSNP rs773017134, ClinGen allele CA351297498.